The following is an entry in ClinVar:

NM_007294.4(BRCA1):c.5190T>C (p.Asn1730=)

Gene: BRCA1 (BRCA1 DNA repair associated; minus strand). Cytogenetic location: 17q21.31.
Variant type: single nucleotide variant.
Coding change: c.5190T>C on transcript NM_007294.4 (MANE Select); coding-DNA position 5190, T replaced by C.
Protein change: p.Asn1730=; no amino-acid change (asparagine 1730 retained).
Molecular consequence: synonymous variant.
Genome position (GRCh38, 1-based): chr17:43,063,336, A>G on the plus strand (T>C on the coding strand, the complement: BRCA1 is on the minus strand). VCF-style: chr17-43063336-A-G. GRCh37 (hg19) VCF-style: chr17-41215353-A-G.
Other names: c.5187T>C, p.Asn1729= (NM_001407626.1, NM_001407858.1, NM_001407859.1 and 17 more transcripts); c.5184T>C, p.Asn1728= (NM_001407627.1, NM_001407628.1, NM_001407629.1 and 14 more transcripts); c.5181T>C, p.Asn1727= (NM_001407644.1, NM_001407645.1); c.5178T>C, p.Asn1726= (NM_001407646.1); c.5175T>C, p.Asn1725= (NM_001407647.1); c.5133T>C, p.Asn1711= (NM_001407648.1); c.5130T>C, p.Asn1710= (NM_001407649.1); c.5112T>C, p.Asn1704= (NM_001407652.1, NM_001407653.1, NM_001407654.1 and 1 more transcripts); and 72 more.
Identifiers: ClinVar variation 867456 (VCV000867456.3), dbSNP rs2051855598, ClinGen allele CA500146041.

Conditions:
Breast-ovarian cancer, familial, susceptibility to, 1 (BROVCA1). Also called: BRCA1 Hereditary Breast and Ovarian Cancer; OVARIAN CANCER, SUSCEPTIBILITY TO. Identifiers: Orphanet 145, MedGen C2676676, MONDO:0011450, OMIM 604370. Disease mechanism: loss of function.

Submission:

Brotman Baty Institute, University of Washington
No classification provided (evidence only). Condition: Breast-ovarian cancer, familial 1. Review status: no classification provided. Collection method: in vitro. Allele origin: not applicable. Functional consequence: functionally_normal.
ClinVar note: "not provided" was previously submitted as the classification for the variant. However, the classification appeared to be based only on an observation of functional data so it was converted to no classification on 2025-07-30.